The following is an entry in ClinVar:

ClinVar aggregate classification (germline): Uncertain significance (1 of 4 stars; one submission).

Submission:

Labcorp Genetics (formerly Invitae), Labcorp
Classification: Uncertain significance. Last evaluated: 2025-06-22. Review status: criteria provided, single submitter. Criteria: Invitae Variant Classification Sherloc (09022015). Collection method: clinical testing. Allele origin: germline.
Comment: This sequence change replaces glycine, which is neutral and non-polar, with arginine, which is basic and polar, at codon 634 of the DHX32 protein (p.Gly634Arg). This variant is not present in population databases (gnomAD no frequency). This variant has not been reported in the literature in individuals affected with DHX32-related conditions. An algorithm developed to predict the effect of missense changes on protein structure and function (PolyPhen-2) suggests that this variant is likely to be disruptive. In summary, the available evidence is currently insufficient to determine the role of this variant in disease. Therefore, it has been classified as a Variant of Uncertain Significance.

NM_018180.3(DHX32):c.1900G>C (p.Gly634Arg)

Genes: BCCIP (BRCA2 and CDKN1A interacting protein; plus strand), DHX32 (DEAH-box helicase 32 (putative); minus strand). Cytogenetic location: 10q26.2.
Variant type: single nucleotide variant.
Coding change: c.1900G>C on transcript NM_018180.3 (MANE Select); coding-DNA position 1900, G replaced by C.
Protein change: p.Gly634Arg; replaces glycine 634 with arginine.
Molecular consequence: missense variant. On other transcripts: intron variant (2).
Genome position (GRCh38, 1-based): chr10:125,838,369, C>G on the plus strand (G>C on the coding strand, the complement: DHX32 is on the minus strand). VCF-style: chr10-125838369-C-G. GRCh37 (hg19) VCF-style: chr10-127526938-C-G.
Other names: c.775-2886C>G (NM_016567.4, NM_078469.3); short protein forms G634R.
Identifiers: ClinVar variation 4768133 (VCV004768133.1).